The following is an entry in ClinVar:

ClinVar aggregate classification (germline): Likely benign. Review status: criteria provided, multiple submitters, no conflicts (2 of 4 stars). 2 submissions from 2 submitters: Likely benign (2). Last evaluated 2025-03-14.

Conditions:
ADAMTS13-related disorder. Also called: ADAMTS13-related condition.

Allele frequency attached by ClinVar (database versions not stated): gnomAD 0.00001; TOPMed 0.00002; ExAC 0.00005; ESP Exome Variant Server 0.00008.
gnomAD v4.1: 26 of 1,601,742 alleles (0.0016%); highest among the groups gnomAD compares: South Asian, 0.022%; no homozygotes.

Submissions (2):

PreventionGenetics, part of Exact Sciences
Classification: Likely benign for ADAMTS13-related condition. Last evaluated: 2025-03-14. Review status: criteria provided, single submitter. Criteria: ACMG Guidelines, 2015. Collection method: clinical testing. Allele origin: germline.
Comment: This variant is classified as likely benign based on ACMG/AMP sequence variant interpretation guidelines (Richards et al. 2015 PMID: 25741868, with internal and published modifications).

Labcorp Genetics (formerly Invitae), Labcorp
Classification: Likely benign. Last evaluated: 2023-01-02. Review status: criteria provided, single submitter. Criteria: Invitae Variant Classification Sherloc (09022015). Collection method: clinical testing. Allele origin: germline.

NM_139027.6(ADAMTS13):c.2685C>T (p.His895=)

Gene: ADAMTS13 (ADAM metallopeptidase with thrombospondin type 1 motif 13; plus strand). Cytogenetic location: 9q34.2.
Variant type: single nucleotide variant.
Coding change: c.2685C>T on transcript NM_139027.6 (MANE Select); coding-DNA position 2685, C replaced by T.
Protein change: p.His895=; no amino-acid change (histidine 895 retained).
Molecular consequence: synonymous variant. On other transcripts: non-coding transcript variant (1).
Genome position (GRCh38, 1-based): chr9:133,445,773, C>T. VCF-style: chr9-133445773-C-T. GRCh37 (hg19) VCF-style: chr9-136310894-C-T.
Other names: c.2685C>T, p.His895= (NM_139025.5); c.2592C>T, p.His864= (NM_139026.6).
Identifiers: ClinVar variation 2752920 (VCV002752920.4), dbSNP rs370669534, ClinGen allele CA200936782.